The following is an entry in ClinVar:

NM_003151.4(STAT4):c.2203A>G (p.Thr735Ala)

Genes: STAT4 (signal transducer and activator of transcription 4; minus strand), STAT4-AS1 (STAT4 antisense RNA 1; plus strand). Cytogenetic location: 2q32.2.
Variant type: single nucleotide variant.
Coding change: c.2203A>G on transcript NM_003151.4 (MANE Select); coding-DNA position 2203, A replaced by G.
Protein change: p.Thr735Ala; replaces threonine 735 with alanine.
Molecular consequence: missense variant. On other transcripts: non-coding transcript variant (1).
Genome position (GRCh38, 1-based): chr2:191,030,989, T>C on the plus strand (A>G on the coding strand, the complement: STAT4 is on the minus strand). VCF-style: chr2-191030989-T-C. GRCh37 (hg19) VCF-style: chr2-191895715-T-C.
Other names: c.2203A>G, p.Thr735Ala (NM_001243835.2); c.2203A>G (NM_003151.3); short protein forms T735A.
Identifiers: ClinVar variation 1351970 (VCV001351970.9), dbSNP rs1430375004, ClinGen allele CA349906132.
Genomic context (GRCh38, chr2:191,030,989, plus strand): 5'-TGGAAACACCTTTGACCAGCAATGGAAAATAAAGGGAACATACTGCAGTTTCAATTGTTG[T>C]GGGACTCAGGTTTTCTCTCAACACCGCATACACACTTGGAGACATGGGAAGAAGGTCTGA-3'
Protein context (NP_003142.1, residues 725-745): YAVLRENLSP[Thr735Ala]TIETAMKSPY

ClinVar aggregate classification (germline): Uncertain significance. Review status: criteria provided, multiple submitters, no conflicts (2 of 4 stars). 2 submissions from 2 submitters: Uncertain significance (2). Last evaluated 2023-05-11.

Allele frequency attached by ClinVar (database versions not stated): gnomAD 0.00001; gnomAD exomes 0.00002; TOPMed 0.00002.
gnomAD v4.1: 36 of 1,613,798 alleles (0.0022%); highest among the groups gnomAD compares: Non-Finnish European, 0.0028%; no homozygotes.

Submissions (2):

Labcorp Genetics (formerly Invitae), Labcorp
Classification: Uncertain significance. Last evaluated: 2023-05-11. Review status: criteria provided, single submitter. Criteria: Invitae Variant Classification Sherloc (09022015). Collection method: clinical testing. Allele origin: germline.
Comment: In summary, the available evidence is currently insufficient to determine the role of this variant in disease. Therefore, it has been classified as a Variant of Uncertain Significance. Algorithms developed to predict the effect of missense changes on protein structure and function output the following: SIFT: "Not Available"; PolyPhen-2: "Benign"; Align-GVGD: "Not Available". The alanine amino acid residue is found in multiple mammalian species, which suggests that this missense change does not adversely affect protein function. ClinVar contains an entry for this variant (Variation ID: 1351970). This variant has not been reported in the literature in individuals affected with STAT4-related conditions. This variant is not present in population databases (gnomAD no frequency). This sequence change replaces threonine, which is neutral and polar, with alanine, which is neutral and non-polar, at codon 735 of the STAT4 protein (p.Thr735Ala).

Ambry Genetics
Classification: Uncertain significance. Last evaluated: 2021-08-23. Review status: criteria provided, single submitter. Criteria: Ambry Variant Classification Scheme 2023. Collection method: clinical testing. Allele origin: germline.